The following is an entry in ClinVar:

NM_203446.3(SYNJ1):c.550T>A (p.Cys184Ser)

Gene: SYNJ1 (synaptojanin 1; minus strand). Cytogenetic location: 21q22.11.
Variant type: single nucleotide variant.
Coding change: c.550T>A on transcript NM_203446.3 (MANE Select); coding-DNA position 550, T replaced by A.
Protein change: p.Cys184Ser; replaces cysteine 184 with serine.
Molecular consequence: missense variant.
Genome position (GRCh38, 1-based): chr21:32,695,212, A>T on the plus strand (T>A on the coding strand, the complement: SYNJ1 is on the minus strand). VCF-style: chr21-32695212-A-T. GRCh37 (hg19) VCF-style: chr21-34067522-A-T.
Other names: c.550T>A, p.Cys184Ser (NM_001160302.2, NM_001160306.2); c.667T>A, p.Cys223Ser (NM_003895.4); short protein forms C223S, C184S.
Identifiers: ClinVar variation 956704 (VCV000956704.7), dbSNP rs903887015, ClinGen allele CA319453515.
Genomic context (GRCh38, chr21:32,695,212, plus strand): 5'-TGAGGCAAGCCTTCGCCTGTTTATGAGCAGCATAAATTGTTCTGATTTCTACTCCTCCAC[A>T]CATAAGACGTAATAACCAGTCATCACAATTCACGCCATAGTGTTTGAGATGCAAATGCAA-3'
Protein context (NP_982271.3, residues 174-194): NCDDWLLRLM[Cys184Ser]GGVEIRTIYA

ClinVar aggregate classification (germline): Uncertain significance (1 of 4 stars; one submission).

Conditions:
Early-onset Parkinson disease 20. Also called: PARKINSON DISEASE 20, AUTOSOMAL RECESSIVE EARLY-ONSET. Identifiers: Orphanet 391411, MedGen C3809824, MONDO:0014233, OMIM 615530.
Developmental and epileptic encephalopathy, 53. Also called: Epileptic encephalopathy, early infantile, 53. Identifiers: MedGen C4479313, MONDO:0033362, OMIM 617389.

Allele frequency attached by ClinVar (database versions not stated): gnomAD 0.00001; TOPMed 0.00002.
gnomAD v4.1: 29 of 1,613,996 alleles (0.0018%); highest among the groups gnomAD compares: Non-Finnish European, 0.0023%; no homozygotes.

Submission:

Labcorp Genetics (formerly Invitae), Labcorp
Classification: Uncertain significance for Developmental and epileptic encephalopathy, 53; Early-onset Parkinson disease 20. Last evaluated: 2022-07-19. Review status: criteria provided, single submitter. Criteria: Invitae Variant Classification Sherloc (09022015). Collection method: clinical testing. Allele origin: germline.
Comment: This sequence change replaces cysteine, which is neutral and slightly polar, with serine, which is neutral and polar, at codon 223 of the SYNJ1 protein (p.Cys223Ser). This variant is present in population databases (no rsID available, gnomAD 0.003%). This variant has not been reported in the literature in individuals affected with SYNJ1-related conditions. ClinVar contains an entry for this variant (Variation ID: 956704). Algorithms developed to predict the effect of missense changes on protein structure and function are either unavailable or do not agree on the potential impact of this missense change (SIFT: "Tolerated"; PolyPhen-2: "Possibly Damaging"; Align-GVGD: "Class C0"). In summary, the available evidence is currently insufficient to determine the role of this variant in disease. Therefore, it has been classified as a Variant of Uncertain Significance.